The following is an entry in ClinVar:

NM_001267550.2(TTN):c.55007T>C (p.Val18336Ala)

Genes: TTN-AS1 (TTN antisense RNA 1; plus strand), TTN (titin; minus strand). Cytogenetic location: 2q31.2.
Variant type: single nucleotide variant.
Coding change: c.55007T>C on transcript NM_001267550.2 (MANE Select); coding-DNA position 55007, T replaced by C.
Protein change: p.Val18336Ala; replaces valine 18336 with alanine.
Molecular consequence: missense variant.
Genome position (GRCh38, 1-based): chr2:178,602,395, A>G on the plus strand (T>C on the coding strand, the complement: TTN is on the minus strand). VCF-style: chr2-178602395-A-G. GRCh37 (hg19) VCF-style: chr2-179467122-A-G.
Other names: c.50084T>C, p.Val16695Ala (NM_001256850.1); c.27812T>C, p.Val9271Ala (NM_003319.4); c.47303T>C, p.Val15768Ala (NM_133378.4); c.28187T>C, p.Val9396Ala (NM_133432.3); c.28388T>C, p.Val9463Ala (NM_133437.4); short protein forms V15768A, V16695A, V18336A, V9271A, V9396A, V9463A.
Identifiers: ClinVar variation 3029230 (VCV003029230.2), dbSNP rs2470047941, ClinGen allele CA349545860.

ClinVar aggregate classification (germline): Uncertain significance (0 of 4 stars; one submission).

Conditions:
TTN-related disorder. Also called: TTN-related condition; TTN-related disease; TTN-related disorders.

Submission:

PreventionGenetics, part of Exact Sciences
Classification: Uncertain significance for TTN-related condition. Last evaluated: 2023-12-11. Review status: no assertion criteria provided. Collection method: clinical testing. Allele origin: germline.
Comment: The TTN c.55007T>C variant is predicted to result in the amino acid substitution p.Val18336Ala. To our knowledge, this variant has not been reported in the literature or in a large population database, indicating this variant is rare. At this time, the clinical significance of this variant is uncertain due to the absence of conclusive functional and genetic evidence.